The following is an entry in ClinVar:

NM_001127898.4(CLCN5):c.1984G>A (p.Asp662Asn)

Genes: CLCN5 (chloride voltage-gated channel 5; plus strand), LOC126863258 (BRD4-independent group 4 enhancer GRCh37_chrX:49854497-49855696; plus strand). Cytogenetic location: Xp11.23.
Variant type: single nucleotide variant.
Coding change: c.1984G>A on transcript NM_001127898.4 (MANE Select); coding-DNA position 1984, G replaced by A.
Protein change: p.Asp662Asn; replaces aspartic acid 662 with asparagine.
Molecular consequence: missense variant.
Genome position (GRCh38, 1-based): chrX:50,090,355, G>A. VCF-style: chrX-50090355-G-A. GRCh37 (hg19) VCF-style: chrX-49855012-G-A.
Other names: c.1774G>A, p.Asp592Asn (NM_000084.5); c.1984G>A, p.Asp662Asn (NM_001127899.4); c.1834G>A, p.Asp612Asn (NM_001282163.2); short protein forms D662N, D592N, D612N.
Identifiers: ClinVar variation 64375 (VCV000064375.2), dbSNP rs387907404, ClinGen allele CA216000.

ClinVar aggregate classification (germline): Uncertain significance (0 of 4 stars; one submission).

Submission:

Martin Pollak Laboratory,  Beth Israel Deaconess Medical Center
Classification: Uncertain significance. Review status: no assertion criteria provided. Collection method: not provided. Allele origin: unknown.
Comment: Lower UCa2+ group
ClinVar note: Converted during submission from unknown to Uncertain significance.